The following is an entry in ClinVar:

NM_005618.4(DLL1):c.1076A>G (p.Tyr359Cys)

Gene: DLL1 (delta like canonical Notch ligand 1; minus strand). Cytogenetic location: 6q27.
Variant type: single nucleotide variant.
Coding change: c.1076A>G on transcript NM_005618.4 (MANE Select); coding-DNA position 1076, A replaced by G.
Protein change: p.Tyr359Cys; replaces tyrosine 359 with cysteine.
Molecular consequence: missense variant.
Genome position (GRCh38, 1-based): chr6:170,285,092, T>C on the plus strand (A>G on the coding strand, the complement: DLL1 is on the minus strand). VCF-style: chr6-170285092-T-C. GRCh37 (hg19) VCF-style: chr6-170594180-T-C.
Other names: short protein forms Y359C.
Identifiers: ClinVar variation 4717508 (VCV004717508.1).

ClinVar aggregate classification (germline): Uncertain significance (1 of 4 stars; one submission).

gnomAD v4.1: 1 of 1,614,072 alleles (0.000062%); highest among the groups gnomAD compares: Non-Finnish European, 0.000085%; no homozygotes.

Submission:

Labcorp Genetics (formerly Invitae), Labcorp
Classification: Uncertain significance. Last evaluated: 2025-04-14. Review status: criteria provided, single submitter. Criteria: Invitae Variant Classification Sherloc (09022015). Collection method: clinical testing. Allele origin: germline.
Comment: This sequence change replaces tyrosine, which is neutral and polar, with cysteine, which is neutral and slightly polar, at codon 359 of the DLL1 protein (p.Tyr359Cys). This variant is not present in population databases (gnomAD no frequency). This variant has not been reported in the literature in individuals affected with DLL1-related conditions. An algorithm developed to predict the effect of missense changes on protein structure and function (PolyPhen-2) suggests that this variant is likely to be disruptive. In summary, the available evidence is currently insufficient to determine the role of this variant in disease. Therefore, it has been classified as a Variant of Uncertain Significance.